The following is an entry in ClinVar:

ClinVar aggregate classification (germline): Uncertain significance (1 of 4 stars; one submission).

Conditions:
Periodic fever-infantile enterocolitis-autoinflammatory syndrome. Also called: Autoinflammation with infantile enterocolitis. Identifiers: Orphanet 436166, MedGen C4015067, MONDO:0014472, OMIM 616050.
Familial cold autoinflammatory syndrome 4 (FCAS4). Identifiers: Orphanet 47045, Orphanet 576349, MedGen C4015276, MONDO:0014498, OMIM 616115.

gnomAD v4.1: 1 of 1,614,204 alleles (0.000062%); highest among the groups gnomAD compares: African/African-American, 0.0013%; no homozygotes.

Submission:

Labcorp Genetics (formerly Invitae), Labcorp
Classification: Uncertain significance for Periodic fever-infantile enterocolitis-autoinflammatory syndrome; Familial cold autoinflammatory syndrome 4. Last evaluated: 2023-07-31. Review status: criteria provided, single submitter. Criteria: Invitae Variant Classification Sherloc (09022015). Collection method: clinical testing. Allele origin: germline.
Comment: This variant has not been reported in the literature in individuals affected with NLRC4-related conditions. In summary, the available evidence is currently insufficient to determine the role of this variant in disease. Therefore, it has been classified as a Variant of Uncertain Significance. Advanced modeling of protein sequence and biophysical properties (such as structural, functional, and spatial information, amino acid conservation, physicochemical variation, residue mobility, and thermodynamic stability) performed at Invitae indicates that this missense variant is not expected to disrupt NLRC4 protein function. This variant is not present in population databases (gnomAD no frequency). This sequence change replaces lysine, which is basic and polar, with asparagine, which is neutral and polar, at codon 525 of the NLRC4 protein (p.Lys525Asn).

NM_001199138.2(NLRC4):c.1575G>T (p.Lys525Asn)

Gene: NLRC4 (NLR family CARD domain containing 4; minus strand). Cytogenetic location: 2p22.3.
Variant type: single nucleotide variant.
Coding change: c.1575G>T on transcript NM_001199138.2 (MANE Select); coding-DNA position 1575, G replaced by T.
Protein change: p.Lys525Asn; replaces lysine 525 with asparagine.
Molecular consequence: missense variant. On other transcripts: intron variant (1).
Genome position (GRCh38, 1-based): chr2:32,250,289, C>A on the plus strand (G>T on the coding strand, the complement: NLRC4 is on the minus strand). VCF-style: chr2-32250289-C-A. GRCh37 (hg19) VCF-style: chr2-32475358-C-A.
Other names: c.1575G>T, p.Lys525Asn (NM_021209.5, NM_001199139.2); c.262+2130G>T (NM_001302504.1); short protein forms K525N.
Identifiers: ClinVar variation 2950526 (VCV002950526.3), dbSNP rs754091990, ClinGen allele CA346512180.